The following is an entry in ClinVar:

NM_015512.5(DNAH1):c.9143T>A (p.Phe3048Tyr)

Gene: DNAH1 (dynein axonemal heavy chain 1; plus strand). Cytogenetic location: 3p21.1.
Variant type: single nucleotide variant.
Coding change: c.9143T>A on transcript NM_015512.5 (MANE Select); coding-DNA position 9143, T replaced by A.
Protein change: p.Phe3048Tyr; replaces phenylalanine 3048 with tyrosine.
Molecular consequence: missense variant.
Genome position (GRCh38, 1-based): chr3:52,388,306, T>A. VCF-style: chr3-52388306-T-A. GRCh37 (hg19) VCF-style: chr3-52422322-T-A.
Other names: short protein forms F3048Y.
Identifiers: ClinVar variation 2938212 (VCV002938212.3), dbSNP rs963120443, ClinGen allele CA74777719.

ClinVar aggregate classification (germline): Uncertain significance (1 of 4 stars; one submission).

Conditions:
Spermatogenic failure 18. Identifiers: MedGen C4539783, MONDO:0054615, OMIM 617576.
Ciliary dyskinesia, primary, 37 (CILD37). Also called: CILIARY DYSKINESIA, PRIMARY, 37, WITH OR WITHOUT SITUS INVERSUS. Identifiers: MedGen C4539798, MONDO:0033204, OMIM 617577.

Allele frequency attached by ClinVar (database versions not stated): gnomAD exomes 0.00001.
gnomAD v4.1: 12 of 1,602,782 alleles (0.00075%); highest among the groups gnomAD compares: Non-Finnish European, 0.001%; no homozygotes.

Submission:

Labcorp Genetics (formerly Invitae), Labcorp
Classification: Uncertain significance for Ciliary dyskinesia, primary, 37; Spermatogenic failure 18. Last evaluated: 2022-10-26. Review status: criteria provided, single submitter. Criteria: Invitae Variant Classification Sherloc (09022015). Collection method: clinical testing. Allele origin: germline.
Comment: In summary, the available evidence is currently insufficient to determine the role of this variant in disease. Therefore, it has been classified as a Variant of Uncertain Significance. Advanced modeling of protein sequence and biophysical properties (such as structural, functional, and spatial information, amino acid conservation, physicochemical variation, residue mobility, and thermodynamic stability) performed at Invitae indicates that this missense variant is not expected to disrupt DNAH1 protein function. This variant has not been reported in the literature in individuals affected with DNAH1-related conditions. This variant is not present in population databases (gnomAD no frequency). This sequence change replaces phenylalanine, which is neutral and non-polar, with tyrosine, which is neutral and polar, at codon 3048 of the DNAH1 protein (p.Phe3048Tyr).